The following is an entry in ClinVar:

NM_001012339.3(DNAJC21):c.1142+9A>G

Gene: DNAJC21 (DnaJ heat shock protein family (Hsp40) member C21; plus strand). Cytogenetic location: 5p13.2.
Variant type: single nucleotide variant.
Coding change: c.1142+9A>G on transcript NM_001012339.3 (MANE Select); 9 bases into the intron after coding-DNA position 1142, A replaced by G.
Molecular consequence: intron variant.
Genome position (GRCh38, 1-based): chr5:34,945,034, A>G. VCF-style: chr5-34945034-A-G. GRCh37 (hg19) VCF-style: chr5-34945139-A-G.
Other names: c.1142+9A>G (NM_001348420.2, NM_194283.4).
Identifiers: ClinVar variation 3061595 (VCV003061595.2), dbSNP rs1765127801, ClinGen allele CA1538659238.
Genomic context (GRCh38, chr5:34,945,034, plus strand): 5'-ATCCATTAGATGACAATTCTGAGGAAGAAATGGAAGATGCACCAAAACAAAAGTACTTCT[A>G]AATATTAAATGTCACTAGAAATACTTATCACATTCAGAGATTGCATTAAAAGGTTTTTTT-3'

ClinVar aggregate classification (germline): Likely benign (0 of 4 stars; one submission).

Conditions:
DNAJC21-related disorder. Also called: DNAJC21-related condition.

Submission:

PreventionGenetics, part of Exact Sciences
Classification: Likely benign for DNAJC21-related condition. Last evaluated: 2021-08-17. Review status: no assertion criteria provided. Collection method: clinical testing. Allele origin: germline.
Comment: This variant is classified as likely benign based on ACMG/AMP sequence variant interpretation guidelines (Richards et al. 2015 PMID: 25741868, with internal and published modifications).